The following is an entry in ClinVar:

NM_004999.4(MYO6):c.1382A>G (p.Glu461Gly)

Gene: MYO6 (myosin VI; plus strand). Cytogenetic location: 6q14.1.
Variant type: single nucleotide variant.
Coding change: c.1382A>G on transcript NM_004999.4 (MANE Select); coding-DNA position 1382, A replaced by G.
Protein change: p.Glu461Gly; replaces glutamic acid 461 with glycine.
Molecular consequence: missense variant. On other transcripts: non-coding transcript variant (1).
Genome position (GRCh38, 1-based): chr6:75,858,902, A>G. VCF-style: chr6-75858902-A-G. GRCh37 (hg19) VCF-style: chr6-76568619-A-G.
Other names: c.1382A>G, p.Glu461Gly (NM_001300899.2, NM_001368136.1, NM_001368137.1 and 2 more transcripts); c.1367A>G, p.Glu456Gly (NM_001368138.1); short protein forms E456G, E461G.
Identifiers: ClinVar variation 3361244 (VCV003361244.1).
Genomic context (GRCh38, chr6:75,858,902, plus strand): 5'-TGATAAATTTATATGAAGTTGATCTCATAATGACTCTTGGTTCTGGTTTTATATTTTCAG[A>G]GTACTTTGAGCATAACAGTTTTGAACAATTTTGCATCAACTATTGCAATGAAAAACTTCA-3'
Protein context (NP_004990.3, residues 451-471): FIGVLDIAGF[Glu461Gly]YFEHNSFEQF

ClinVar aggregate classification (germline): Uncertain significance (1 of 4 stars; one submission).

Submission:

GeneDx
Classification: Uncertain significance. Last evaluated: 2023-07-26. Review status: criteria provided, single submitter. Criteria: GeneDx Variant Classification Process June 2021. Collection method: clinical testing. Allele origin: germline. Affected: yes.
Comment: Has not been previously published as pathogenic or benign to our knowledge; Not observed at significant frequency in large population cohorts (gnomAD); In silico analysis supports that this missense variant has a deleterious effect on protein structure/function